The following is an entry in ClinVar:

NM_004836.7(EIF2AK3):c.1763+6A>T

Gene: EIF2AK3 (eukaryotic translation initiation factor 2 alpha kinase 3; minus strand). Cytogenetic location: 2p11.2.
Variant type: single nucleotide variant.
Coding change: c.1763+6A>T on transcript NM_004836.7 (MANE Select); 6 bases into the intron after coding-DNA position 1763, A replaced by T.
Molecular consequence: intron variant.
Genome position (GRCh38, 1-based): chr2:88,583,424, T>A on the plus strand (A>T on the coding strand, the complement: EIF2AK3 is on the minus strand). VCF-style: chr2-88583424-T-A. GRCh37 (hg19) VCF-style: chr2-88882942-T-A.
Other names: c.1310+6A>T (NM_001313915.2).
Identifiers: ClinVar variation 128984 (VCV000128984.24), dbSNP rs6750998, ClinGen allele CA152710.
Genomic context (GRCh38, chr2:88,583,424, plus strand): 5'-AAGTTAAACAAGATCTTAGGTCATTTCTTCTTTGATTCAGATGGTTGTATTTTATAAGAC[T>A]CTTACCGTGATATATATCCAGAGTTTTTTATGTCATTCCAGCTACTGTCATTGGCTTCAC-3'

ClinVar aggregate classification (germline): Benign. Review status: criteria provided, multiple submitters, no conflicts (2 of 4 stars). 10 submissions from 10 submitters: Benign (6). 4 of the submissions do not count toward it. Last evaluated 2026-02-04.

Conditions:
Wolcott-Rallison dysplasia. Also called: Wolcott-Rallison syndrome; MED-IDDM SYNDROME. Identifiers: Orphanet 1667, MedGen C0432217, MONDO:0009192, OMIM 226980.

Allele frequency attached by ClinVar (database versions not stated): 1000 Genomes Project 30x 0.19972; 1000 Genomes Project 0.20427; TOPMed 0.22488; gnomAD 0.22566 and 0.22935; ESP Exome Variant Server 0.23942; gnomAD exomes 0.24919 and 0.27631; ExAC 0.25415.
gnomAD v4.1: 435,259 of 1,598,844 alleles (27%); highest among the groups gnomAD compares: Middle Eastern, 40%; 62,159 homozygotes.

Submissions (10):

Labcorp Genetics (formerly Invitae), Labcorp
Classification: Benign. Last evaluated: 2026-02-04. Review status: criteria provided, single submitter. Criteria: Invitae Variant Classification Sherloc (09022015). Collection method: clinical testing. Allele origin: germline.

Blueprint Genetics
Classification: Benign. Last evaluated: 2024-11-26. Review status: criteria provided, single submitter. Criteria: ACMG Guidelines, 2015. Collection method: clinical testing. Allele origin: germline.

Genome-Nilou Lab
Classification: Benign for Wolcott-Rallison dysplasia. Last evaluated: 2021-07-30. Review status: criteria provided, single submitter. Criteria: ACMG Guidelines, 2015. Collection method: clinical testing. Allele origin: germline. Affected: no.

GeneDx
Classification: Benign. Last evaluated: 2018-11-12. Review status: criteria provided, single submitter. Criteria: GeneDx Variant Classification Process June 2021. Collection method: clinical testing. Allele origin: germline. Affected: yes.

Illumina Laboratory Services, Illumina
Classification: Benign for Wolcott-Rallison dysplasia. Last evaluated: 2018-01-12. Review status: criteria provided, single submitter. Criteria: ICSL Variant Classification Criteria 13 December 2019. Collection method: clinical testing. Allele origin: germline.
Comment: This variant was observed in the ICSL laboratory as part of a predisposition screen in an ostensibly healthy population. It had not been previously curated by ICSL or reported in the Human Gene Mutation Database (HGMD: prior to June 1st, 2018), and was therefore a candidate for classification through an automated scoring system. Utilizing variant allele frequency, disease prevalence and penetrance estimates, and inheritance mode, an automated score was calculated to assess if this variant is too frequent to cause the disease. Based on the score and internal cut-off values, a variant classified as benign is not then subjected to further curation. The score for this variant resulted in a classification of benign for this disease.

Breakthrough Genomics
Classification: Benign. Review status: criteria provided, single submitter. Criteria: ACMG Guidelines, 2015. Collection method: not provided. Allele origin: germline. Inheritance: Autosomal recessive inheritance. Affected: yes.

Clinical Genetics DNA and cytogenetics Diagnostics Lab, Erasmus MC, Erasmus Medical Center
Classification: Benign. Review status: no assertion criteria provided. Collection method: clinical testing. Allele origin: germline. Affected: yes. Study: VKGL Data-share Consensus. Not counted in ClinVar's aggregate classification.

Diagnostic Laboratory, Department of Genetics, University Medical Center Groningen
Classification: Benign for Wolcott-Rallison dysplasia. Review status: no assertion criteria provided. Collection method: clinical testing. Allele origin: germline. Affected: yes. Study: VKGL Data-share Consensus. Not counted in ClinVar's aggregate classification.

Genetic Services Laboratory, University of Chicago
Classification: Likely benign for AllHighlyPenetrant. Review status: no assertion criteria provided. Collection method: clinical testing. Allele origin: germline. Inheritance: Autosomal recessive inheritance. Not counted in ClinVar's aggregate classification.
Comment: Likely benign based on allele frequency in 1000 Genomes Project or ESP global frequency and its presence in a patient with a rare or unrelated disease phenotype. NOT Sanger confirmed.

Genome Diagnostics Laboratory, University Medical Center Utrecht
Classification: Benign. Review status: no assertion criteria provided. Collection method: clinical testing. Allele origin: germline. Affected: yes. Study: VKGL Data-share Consensus. Not counted in ClinVar's aggregate classification.